The following is an entry in ClinVar:

ClinVar aggregate classification (germline): Pathogenic (1 of 4 stars; one submission).

Conditions:
Polycystic kidney disease, adult type (PKD1). Also called: Polycystic Kidney Disease 1, Autosomal Dominant; Polycystic kidney disease 1; Polycystic kidney disease 1, severe; Polycystic Kidney, Autosomal Dominant; POLYCYSTIC KIDNEY DISEASE 1 WITH OR WITHOUT POLYCYSTIC LIVER DISEASE; POLYCYSTIC KIDNEY DISEASE, ADULT, TYPE I. Identifiers: MedGen C3149841, MONDO:0008263, OMIM 173900.

Submission:

Women's Health and Genetics/Laboratory Corporation of America, LabCorp
Classification: Pathogenic for Polycystic kidney disease, adult type. Last evaluated: 2025-05-01. Review status: criteria provided, single submitter. Criteria: LabCorp Variant Classification Summary - May 2015. Collection method: clinical testing. Allele origin: germline.
Comment: Variant summary: PKD1 c.6584_6597del14 (p.Cys2195SerfsX62) results in a premature termination codon, predicted to cause a truncation of the encoded protein or absence of the protein due to nonsense mediated decay, which are commonly known mechanisms for disease. The variant was absent in 180444 control chromosomes. To our knowledge, no occurrence of c.6584_6597del14 in individuals affected with Polycystic Kidney Disease 1 and no experimental evidence demonstrating its impact on protein function have been reported. No submitters have cited clinical-significance assessments for this variant to ClinVar. Based on the evidence outlined above, the variant was classified as pathogenic.

NM_001009944.3(PKD1):c.6584_6597del (p.Cys2195fs)

Gene: PKD1 (polycystin 1, transient receptor potential channel interacting; minus strand). Cytogenetic location: 16p13.3.
Variant type: Deletion.
Coding change: c.6584_6597del on transcript NM_001009944.3 (MANE Select); coding-DNA positions 6584 to 6597, 14 bases deleted (GCCAGCGGCCGGGG).
Protein change: p.Cys2195fs; shifts the reading frame from cysteine 2195.
Molecular consequence: frameshift variant.
Genome position (GRCh38, 1-based): chr16:2,108,570-2,108,583, CCCCGGCCGCTGGC deleted on the plus strand (GCCAGCGGCCGGGG on the coding strand, the reverse complement: PKD1 is on the minus strand). VCF-style (leftmost placement, unchanged base first): chr16-2108569-GCCCCGGCCGCTGGC-G. GRCh37 (hg19) VCF-style: chr16-2158570-GCCCCGGCCGCTGGC-G.
Other names: c.6584_6597del, p.Cys2195fs (NM_000296.4); c.6584_6597del14 (NM_001009944.3); short protein forms C2195fs.
Identifiers: ClinVar variation 3902596 (VCV003902596.1).